The following is an entry in ClinVar:

ClinVar aggregate classification (germline): Uncertain significance. Review status: criteria provided, multiple submitters, no conflicts (2 of 4 stars). 2 submissions from 2 submitters: Uncertain significance (2). Last evaluated 2025-09-30.

Conditions:
Primary ciliary dyskinesia. Also called: Ciliary dyskinesia. Identifiers: Orphanet 244, MedGen C0008780, MONDO:0016575, HP:0012265.

gnomAD v4.1: 58 of 1,614,070 alleles (0.0036%); highest among the groups gnomAD compares: Middle Eastern, 0.016%; no homozygotes.

Submissions (2):

Labcorp Genetics (formerly Invitae), Labcorp
Classification: Uncertain significance for Primary ciliary dyskinesia. Last evaluated: 2025-09-30. Review status: criteria provided, single submitter. Criteria: Invitae Variant Classification Sherloc (09022015). Collection method: clinical testing. Allele origin: germline.
Comment: This sequence change replaces threonine, which is neutral and polar, with alanine, which is neutral and non-polar, at codon 2319 of the DNAH5 protein (p.Thr2319Ala). This variant is present in population databases (rs766475252, gnomAD 0.005%). This variant has not been reported in the literature in individuals affected with DNAH5-related conditions. Invitae Evidence Modeling of protein sequence and biophysical properties (such as structural, functional, and spatial information, amino acid conservation, physicochemical variation, residue mobility, and thermodynamic stability) indicates that this missense variant is not expected to disrupt DNAH5 protein function with a negative predictive value of 95%. In summary, the available evidence is currently insufficient to determine the role of this variant in disease. Therefore, it has been classified as a Variant of Uncertain Significance.

Ambry Genetics
Classification: Uncertain significance for Primary ciliary dyskinesia. Last evaluated: 2025-08-30. Review status: criteria provided, single submitter. Criteria: Ambry Variant Classification Scheme 2023. Collection method: clinical testing. Allele origin: germline.

NM_001369.3(DNAH5):c.6955A>G (p.Thr2319Ala)

Gene: DNAH5 (dynein axonemal heavy chain 5; minus strand). Cytogenetic location: 5p15.2.
Variant type: single nucleotide variant.
Coding change: c.6955A>G on transcript NM_001369.3 (MANE Select); coding-DNA position 6955, A replaced by G.
Protein change: p.Thr2319Ala; replaces threonine 2319 with alanine.
Molecular consequence: missense variant.
Genome position (GRCh38, 1-based): chr5:13,817,581, T>C on the plus strand (A>G on the coding strand, the complement: DNAH5 is on the minus strand). VCF-style: chr5-13817581-T-C. GRCh37 (hg19) VCF-style: chr5-13817690-T-C.
Other names: short protein forms T2319A.
Identifiers: ClinVar variation 4242616 (VCV004242616.2).